The following is an entry in ClinVar:

ClinVar aggregate classification (germline): Uncertain significance (1 of 4 stars; one submission).

Conditions:
Capillary malformation-arteriovenous malformation syndrome. Also called: Capillary malformation-arteriovenous malformation. Identifiers: Orphanet 137667, MedGen C1842180, MONDO:0012016.

Submission:

Labcorp Genetics (formerly Invitae), Labcorp
Classification: Uncertain significance for Capillary malformation-arteriovenous malformation syndrome. Last evaluated: 2024-06-03. Review status: criteria provided, single submitter. Criteria: Invitae Variant Classification Sherloc (09022015). Collection method: clinical testing. Allele origin: germline.
Comment: This sequence change replaces alanine, which is neutral and non-polar, with serine, which is neutral and polar, at codon 948 of the RASA1 protein (p.Ala948Ser). This variant is not present in population databases (gnomAD no frequency). This variant has not been reported in the literature in individuals affected with RASA1-related conditions. An algorithm developed to predict the effect of missense changes on protein structure and function (PolyPhen-2) suggests that this variant is likely to be disruptive. In summary, the available evidence is currently insufficient to determine the role of this variant in disease. Therefore, it has been classified as a Variant of Uncertain Significance.

NM_002890.3(RASA1):c.2842G>T (p.Ala948Ser)

Genes: CCNH (cyclin H; minus strand), RASA1 (RAS p21 protein activator 1; plus strand). Cytogenetic location: 5q14.3.
Variant type: single nucleotide variant.
Coding change: c.2842G>T on transcript NM_002890.3 (MANE Select); coding-DNA position 2842, G replaced by T.
Protein change: p.Ala948Ser; replaces alanine 948 with serine.
Molecular consequence: missense variant. On other transcripts: intron variant (1).
Genome position (GRCh38, 1-based): chr5:87,385,384, G>T. VCF-style: chr5-87385384-G-T. GRCh37 (hg19) VCF-style: chr5-86681201-G-T.
Other names: c.2311G>T, p.Ala771Ser (NM_022650.3); c.933+9660C>A (NM_001364075.2); short protein forms A948S, A771S.
Identifiers: ClinVar variation 3655015 (VCV003655015.2).